The following is an entry in ClinVar:

ClinVar aggregate classification (germline): Likely benign (1 of 4 stars; one submission).

Allele frequency attached by ClinVar (database versions not stated): gnomAD 0.00563; 1000 Genomes Project 30x 0.00718; 1000 Genomes Project 0.00759.

Submission:

GeneDx
Classification: Likely benign. Last evaluated: 2021-04-09. Review status: criteria provided, single submitter. Criteria: GeneDx Variant Classification Process June 2021. Collection method: clinical testing. Allele origin: germline. Affected: yes.
Comment: See Variant Classification Assertion Criteria.

NM_006261.5(PROP1):c.*120C>T

Gene: PROP1 (PROP paired-like homeobox 1; minus strand). Cytogenetic location: 5q35.3.
Variant type: single nucleotide variant.
Coding change: c.*120C>T on transcript NM_006261.5 (MANE Select); 120 bases downstream of the stop codon, C replaced by T.
Molecular consequence: 3 prime UTR variant.
Genome position (GRCh38, 1-based): chr5:177,992,589, G>A on the plus strand (C>T on the coding strand, the complement: PROP1 is on the minus strand). VCF-style: chr5-177992589-G-A. GRCh37 (hg19) VCF-style: chr5-177419590-G-A.
Identifiers: ClinVar variation 1810604 (VCV001810604.1), dbSNP rs77626899, ClinGen allele CA132896936.